The following is an entry in ClinVar:

NM_015001.3(SPEN):c.6601G>A (p.Glu2201Lys)

Gene: SPEN (spen family transcriptional repressor; plus strand). Cytogenetic location: 1p36.13.
Variant type: single nucleotide variant.
Coding change: c.6601G>A on transcript NM_015001.3 (MANE Select); coding-DNA position 6601, G replaced by A.
Protein change: p.Glu2201Lys; replaces glutamic acid 2201 with lysine.
Molecular consequence: missense variant.
Genome position (GRCh38, 1-based): chr1:15,932,841, G>A. VCF-style: chr1-15932841-G-A. GRCh37 (hg19) VCF-style: chr1-16259336-G-A.
Other names: short protein forms E2201K.
Identifiers: ClinVar variation 4282315 (VCV004282315.1).

ClinVar aggregate classification (germline): Uncertain significance (1 of 4 stars; one submission).

Submission:

GeneDx
Classification: Uncertain significance. Last evaluated: 2025-04-18. Review status: criteria provided, single submitter. Criteria: GeneDx Variant Classification Process June 2021. Collection method: clinical testing. Allele origin: germline. Affected: yes.
Comment: Not observed at significant frequency in large population cohorts (gnomAD); In silico analysis indicates that this missense variant does not alter protein structure/function; Has not been previously published as pathogenic or benign to our knowledge